The following is an entry in ClinVar:

ClinVar aggregate classification (germline): Uncertain significance. Review status: criteria provided, multiple submitters, no conflicts (2 of 4 stars). 3 submissions from 3 submitters: Uncertain significance (3). Last evaluated 2026-03-01.

Allele frequency attached by ClinVar (database versions not stated): ExAC 0.00004; gnomAD 0.00004 and 0.00005; gnomAD exomes 0.00004; TOPMed 0.00004; ESP Exome Variant Server 0.00008; 1000 Genomes Project 30x 0.00016; 1000 Genomes Project 0.00020.
gnomAD v4.1: 111 of 1,613,006 alleles (0.0069%); highest among the groups gnomAD compares: East Asian, 0.049%; no homozygotes.

Submissions (3):

CeGaT Center for Human Genetics Tuebingen
Classification: Uncertain significance. Last evaluated: 2026-03-01. Review status: criteria provided, single submitter. Criteria: CeGaT Center For Human Genetics Tuebingen Variant Classification Criteria Version 2. Collection method: clinical testing. Allele origin: germline. Affected: yes. Observed: 1 variant allele.
Comment: RINT1: PM2, BP4

Labcorp Genetics (formerly Invitae), Labcorp
Classification: Uncertain significance. Last evaluated: 2026-01-05. Review status: criteria provided, single submitter. Criteria: Invitae Variant Classification Sherloc (09022015). Collection method: clinical testing. Allele origin: germline.
Comment: This sequence change replaces isoleucine, which is neutral and non-polar, with valine, which is neutral and non-polar, at codon 690 of the RINT1 protein (p.Ile690Val). This variant is present in population databases (rs200446656, gnomAD 0.006%). This variant has not been reported in the literature in individuals affected with RINT1-related conditions. ClinVar contains an entry for this variant (Variation ID: 644379). An algorithm developed to predict the effect of missense changes on protein structure and function outputs the following: PolyPhen-2: "Benign". The valine amino acid residue is found in multiple mammalian species, which suggests that this missense change does not adversely affect protein function. In summary, the available evidence is currently insufficient to determine the role of this variant in disease. Therefore, it has been classified as a Variant of Uncertain Significance.

Ambry Genetics
Classification: Uncertain significance. Last evaluated: 2023-09-20. Review status: criteria provided, single submitter. Criteria: Ambry Variant Classification Scheme 2023. Collection method: clinical testing. Allele origin: germline.

NM_021930.6(RINT1):c.2068A>G (p.Ile690Val)

Genes: EFCAB10 (EF-hand calcium binding domain 10; minus strand), RINT1 (RAD50 interactor 1; plus strand). Cytogenetic location: 7q22.3.
Variant type: single nucleotide variant.
Coding change: c.2068A>G on transcript NM_021930.6 (MANE Select); coding-DNA position 2068, A replaced by G.
Protein change: p.Ile690Val; replaces isoleucine 690 with valine.
Molecular consequence: missense variant. On other transcripts: 3 prime UTR variant (1), non-coding transcript variant (1), intron variant (2).
Genome position (GRCh38, 1-based): chr7:105,565,530, A>G. VCF-style: chr7-105565530-A-G. GRCh37 (hg19) VCF-style: chr7-105205977-A-G.
Other names: c.*19T>C (NM_001355530.2); c.1834A>G, p.Ile612Val (NM_001346599.2); c.1045A>G, p.Ile349Val (NM_001346600.2, NM_001346603.2); c.1144A>G, p.Ile382Val (NM_001346601.2); c.360-83T>C (NM_001355531.2); c.384-83T>C (NM_001355526.2); short protein forms I349V, I382V, I612V, I690V.
Identifiers: ClinVar variation 644379 (VCV000644379.15), dbSNP rs200446656, ClinGen allele CA4426868.